The following is an entry in ClinVar:

ClinVar aggregate classification (germline): Pathogenic/Likely pathogenic. Review status: criteria provided, multiple submitters, no conflicts (2 of 4 stars). 2 submissions from 2 submitters: Pathogenic (1); Likely pathogenic (1). Last evaluated 2026-02-01.

Conditions:
PRPF31-related disorder. Also called: PRPF31-related condition.

Submissions (2):

Labcorp Genetics (formerly Invitae), Labcorp
Classification: Likely pathogenic. Last evaluated: 2026-02-01. Review status: criteria provided, single submitter. Criteria: Invitae Variant Classification Sherloc (09022015). Collection method: clinical testing. Allele origin: germline.
Comment: This sequence change affects a donor splice site in intron 8 of the PRPF31 gene. It is expected to disrupt RNA splicing. Variants that disrupt the donor or acceptor splice site typically lead to a loss of protein function (PMID: 16199547), and loss-of-function variants in PRPF31 are known to be pathogenic (PMID: 18317597, 23950152). This variant is not present in population databases (gnomAD no frequency). This variant has not been reported in the literature in individuals affected with PRPF31-related conditions. Algorithms developed to predict the effect of sequence changes on RNA splicing suggest that this variant may disrupt the consensus splice site. In summary, the currently available evidence indicates that the variant is pathogenic, but additional data are needed to prove that conclusively. Therefore, this variant has been classified as Likely Pathogenic.

Blueprint Genetics
Classification: Pathogenic for PRPF31-related disorders. Last evaluated: 2021-08-26. Review status: criteria provided, single submitter. Criteria: ACMG Guidelines, 2015. Collection method: clinical testing. Allele origin: germline. Affected: yes. Observed: 1 variant allele.

Literature cited by the submitters: PubMed 16199547 (cited by Labcorp Genetics (formerly Invitae), Labcorp); PubMed 18317597 (cited by Labcorp Genetics (formerly Invitae), Labcorp); PubMed 23950152 (cited by Labcorp Genetics (formerly Invitae), Labcorp).

NM_015629.4(PRPF31):c.855+2T>C

Gene: PRPF31 (pre-mRNA processing factor 31; plus strand). Cytogenetic location: 19q13.42.
Variant type: single nucleotide variant.
Coding change: c.855+2T>C on transcript NM_015629.4 (MANE Select); the canonical splice donor site of the intron after coding-DNA position 855, T replaced by C.
Molecular consequence: splice donor variant.
Genome position (GRCh38, 1-based): chr19:54,124,658, T>C. VCF-style: chr19-54124658-T-C. GRCh37 (hg19) VCF-style: chr19-54628037-T-C.
Identifiers: ClinVar variation 4726037 (VCV004726037.2).